The following is an entry in ClinVar:

ClinVar aggregate classification (germline): Likely pathogenic (1 of 4 stars; one submission).

Submission:

Labcorp Genetics (formerly Invitae), Labcorp
Classification: Likely pathogenic. Last evaluated: 2024-12-15. Review status: criteria provided, single submitter. Criteria: Invitae Variant Classification Sherloc (09022015). Collection method: clinical testing. Allele origin: germline.
Comment: This sequence change affects an acceptor splice site in intron 5 of the SPTB gene. It is expected to disrupt RNA splicing. Variants that disrupt the donor or acceptor splice site typically lead to a loss of protein function (PMID: 16199547), and loss-of-function variants in SPTB are known to be pathogenic (PMID: 1391962, 1498324, 8844207, 26830532, 27292444). This variant is not present in population databases (gnomAD no frequency). This variant has not been reported in the literature in individuals affected with SPTB-related conditions. Algorithms developed to predict the effect of sequence changes on RNA splicing suggest that this variant may disrupt the consensus splice site. In summary, the currently available evidence indicates that the variant is pathogenic, but additional data are needed to prove that conclusively. Therefore, this variant has been classified as Likely Pathogenic.

Literature cited by the submitters: PubMed 16199547; PubMed 1391962; PubMed 1498324; PubMed 8844207; PubMed 26830532; PubMed 27292444.

NM_001355436.2(SPTB):c.648-2A>T

Gene: SPTB (spectrin beta, erythrocytic; minus strand). Cytogenetic location: 14q23.3.
Variant type: single nucleotide variant.
Coding change: c.648-2A>T on transcript NM_001355436.2 (MANE Select); the canonical splice acceptor site of the intron before coding-DNA position 648, A replaced by T.
Molecular consequence: splice acceptor variant.
Genome position (GRCh38, 1-based): chr14:64,801,402, T>A on the plus strand (A>T on the coding strand, the complement: SPTB is on the minus strand). VCF-style: chr14-64801402-T-A. GRCh37 (hg19) VCF-style: chr14-65268120-T-A.
Other names: c.648-2A>T (NM_001024858.4, NM_001355437.2).
Identifiers: ClinVar variation 3727354 (VCV003727354.2).
Genomic context (GRCh38, chr14:64,801,402, plus strand): 5'-GCTCCAGGTTGTGCCGGGCATTGGAGTCCTTCAGCTTATCAAAGTCGATCAGGTCGGGCC[T>A]GGGGACAAAACTGGACTGTGAAAAGGGAGTAGCCACAGCATCCCCACCAGGAGGGCAGCC-3'